The following is an entry in ClinVar:

NM_007294.4(BRCA1):c.1827T>C (p.Asn609=)

Gene: BRCA1 (BRCA1 DNA repair associated; minus strand). Cytogenetic location: 17q21.31.
Variant type: single nucleotide variant.
Coding change: c.1827T>C on transcript NM_007294.4 (MANE Select); coding-DNA position 1827, T replaced by C.
Protein change: p.Asn609=; no amino-acid change (asparagine 609 retained).
Molecular consequence: synonymous variant. On other transcripts: intron variant (137).
Genome position (GRCh38, 1-based): chr17:43,093,704, A>G on the plus strand (T>C on the coding strand, the complement: BRCA1 is on the minus strand). VCF-style: chr17-43093704-A-G. GRCh37 (hg19) VCF-style: chr17-41245721-A-G.
Other names: c.1614T>C, p.Asn538= (NM_001407571.1, NM_001407853.1, NM_001407894.1 and 9 more transcripts); c.1827T>C, p.Asn609= (NM_001407581.1, NM_001407582.1, NM_001407583.1 and 30 more transcripts); c.1824T>C, p.Asn608= (NM_001407587.1, NM_001407590.1, NM_001407591.1 and 22 more transcripts); c.1818T>C, p.Asn606= (NM_001407646.1, NM_001407647.1); c.1704T>C, p.Asn568= (NM_001407648.1, NM_001407664.1, NM_001407665.1 and 19 more transcripts); c.1701T>C, p.Asn567= (NM_001407649.1, NM_001407670.1, NM_001407671.1 and 11 more transcripts); c.1749T>C, p.Asn583= (NM_001407653.1, NM_001407654.1, NM_001407655.1 and 4 more transcripts); c.1746T>C, p.Asn582= (NM_001407659.1, NM_001407660.1, NM_001407661.1 and 1 more transcripts); and 40 more.
Identifiers: ClinVar variation 427307 (VCV000427307.19), dbSNP rs757657445, ClinGen allele CA8589951.

ClinVar aggregate classification (germline): Likely benign. Review status: reviewed by expert panel (3 of 4 stars). 7 submissions from 7 submitters: Likely benign (1). 6 of the submissions do not count toward it. Last evaluated 2017-06-29.

Conditions:
Hereditary breast ovarian cancer syndrome. Also called: Hereditary breast and ovarian cancer syndrome (HBOC); BRCA1- and BRCA2-Associated Hereditary Breast and Ovarian Cancer; Hereditary breast and/or ovarian cancer syndrome; Hereditary breast and ovarian cancer syndrome; Hereditary breast and ovarian cancer; Breast and ovarian cancer. Identifiers: Orphanet 145, MedGen C0677776, MeSH D061325, MONDO:0003582. Disease mechanism: loss of function.
Hereditary cancer-predisposing syndrome. Also called: Neoplastic Syndromes, Hereditary; Hereditary neoplastic syndrome; Tumor predisposition; Hereditary Cancer Syndrome. Identifiers: Orphanet 140162, MedGen C0027672, MeSH D009386, MONDO:0015356.
Breast-ovarian cancer, familial, susceptibility to, 1 (BROVCA1). Also called: BRCA1 Hereditary Breast and Ovarian Cancer; OVARIAN CANCER, SUSCEPTIBILITY TO. Identifiers: Orphanet 145, MedGen C2676676, MONDO:0011450, OMIM 604370. Disease mechanism: loss of function.

Allele frequency attached by ClinVar (database versions not stated): gnomAD exomes below 0.00001 and 0.00001; ExAC 0.00001; gnomAD 0.00001; TOPMed 0.00002.
gnomAD v4.1: 6 of 1,613,896 alleles (0.00037%); highest among the groups gnomAD compares: African/African-American, 0.0067%; no homozygotes.

Submissions (7):

Evidence-based Network for the Interpretation of Germline Mutant Alleles (ENIGMA)
Classification: Likely benign for Breast-ovarian cancer, familial, susceptibility to, 1. Last evaluated: 2017-06-29. Review status: reviewed by expert panel. Criteria: ENIGMA BRCA1/2 Classification Criteria (2017-06-29). Collection method: curation. Allele origin: germline.
Comment: Synonymous substitution variant, with low bioinformatic likelihood to result in a splicing aberration (Splicing prior probability 0.02).

Labcorp Genetics (formerly Invitae), Labcorp
Classification: Likely benign for Hereditary breast ovarian cancer syndrome. Last evaluated: 2025-10-01. Review status: criteria provided, single submitter. Criteria: Invitae Variant Classification Sherloc (09022015). Collection method: clinical testing. Allele origin: germline. Not counted in ClinVar's aggregate classification.

All of Us Research Program, National Institutes of Health
Classification: Likely benign for Breast-ovarian cancer, familial, susceptibility to, 1. Last evaluated: 2023-08-15. Review status: criteria provided, single submitter. Criteria: ACMG Guidelines, 2015. Collection method: clinical testing. Allele origin: germline. Inheritance: Autosomal dominant inheritance. Observed: 1 variant allele, 1 heterozygote. Not counted in ClinVar's aggregate classification.
Comment: This study involves interpretation of variants in research participants for the purpose of population health screening. Participant phenotype was not available at the time of variant classification. Additional details can be found in publication PMID: 35346344, PMCID: PMC8962531

Sema4
Classification: Likely benign for Hereditary cancer-predisposing syndrome. Last evaluated: 2021-07-21. Review status: criteria provided, single submitter. Criteria: Sema4 Curation Guidelines. Collection method: curation. Allele origin: germline. Not counted in ClinVar's aggregate classification.

Women's Health and Genetics/Laboratory Corporation of America, LabCorp
Classification: Likely benign. Last evaluated: 2019-08-27. Review status: criteria provided, single submitter. Criteria: LabCorp Variant Classification Summary - May 2015. Collection method: clinical testing. Allele origin: germline. Not counted in ClinVar's aggregate classification.

Ambry Genetics
Classification: Likely benign for Hereditary cancer-predisposing syndrome. Last evaluated: 2019-08-18. Review status: criteria provided, single submitter. Criteria: Ambry Variant Classification Scheme 2023. Collection method: clinical testing. Allele origin: germline. Not counted in ClinVar's aggregate classification.

Color Diagnostics, LLC DBA Color Health
Classification: Likely benign for Hereditary cancer-predisposing syndrome. Last evaluated: 2018-11-26. Review status: criteria provided, single submitter. Criteria: ACMG Guidelines, 2015. Collection method: clinical testing. Allele origin: germline. Not counted in ClinVar's aggregate classification.